The following is an entry in ClinVar:

ClinVar aggregate classification (germline): Uncertain significance (1 of 4 stars; one submission).

Conditions:
Vici syndrome (VICIS). Identifiers: Orphanet 1493, MedGen C1855772, MONDO:0009452, OMIM 242840.

Submission:

Labcorp Genetics (formerly Invitae), Labcorp
Classification: Uncertain significance for Vici syndrome. Last evaluated: 2021-12-02. Review status: criteria provided, single submitter. Criteria: Invitae Variant Classification Sherloc (09022015). Collection method: clinical testing. Allele origin: germline.
Comment: This sequence change replaces leucine, which is neutral and non-polar, with proline, which is neutral and non-polar, at codon 2513 of the EPG5 protein (p.Leu2513Pro). This variant is not present in population databases (gnomAD no frequency). This variant has not been reported in the literature in individuals affected with EPG5-related conditions. Algorithms developed to predict the effect of missense changes on protein structure and function are either unavailable or do not agree on the potential impact of this missense change (SIFT: "Deleterious"; PolyPhen-2: "Probably Damaging"; Align-GVGD: "Class C0"). In summary, the available evidence is currently insufficient to determine the role of this variant in disease. Therefore, it has been classified as a Variant of Uncertain Significance.

NM_020964.3(EPG5):c.7538T>C (p.Leu2513Pro)

Gene: EPG5 (ectopic P-granules 5 autophagy tethering factor; minus strand). Cytogenetic location: 18q12.3.
Variant type: single nucleotide variant.
Coding change: c.7538T>C on transcript NM_020964.3 (MANE Select); coding-DNA position 7538, T replaced by C.
Protein change: p.Leu2513Pro; replaces leucine 2513 with proline.
Molecular consequence: missense variant.
Genome position (GRCh38, 1-based): chr18:45,855,592, A>G on the plus strand (T>C on the coding strand, the complement: EPG5 is on the minus strand). VCF-style: chr18-45855592-A-G. GRCh37 (hg19) VCF-style: chr18-43435557-A-G.
Other names: short protein forms L2513P.
Identifiers: ClinVar variation 1462129 (VCV001462129.4), dbSNP rs2145172527, ClinGen allele CA402335556.
Genomic context (GRCh38, chr18:45,855,592, plus strand): 5'-ATGTGCAGGCAAACTTCTAACCCTTCATTGTATATACTGACCTGCTGAGCTTTGGGGGTC[A>G]GATGTAATTCAGAGCCAGGCCTCAAACGGATCTGATCTTCCATAGGAACCTGAACTGAAA-3'
Protein context (NP_066015.2, residues 2503-2523): IRLRPGSELH[Leu2513Pro]TPKAQQALNA